The following is an entry in ClinVar:

ClinVar aggregate classification (germline): Uncertain significance (1 of 4 stars; one submission).

Allele frequency attached by ClinVar (database versions not stated): gnomAD exomes below 0.00001.

Submission:

Labcorp Genetics (formerly Invitae), Labcorp
Classification: Uncertain significance. Last evaluated: 2021-09-03. Review status: criteria provided, single submitter. Criteria: Invitae Variant Classification Sherloc (09022015). Collection method: clinical testing. Allele origin: germline.
Comment: This sequence change replaces methionine with isoleucine at codon 9 of the EFL1 protein (p.Met9Ile). The methionine residue is moderately conserved and there is a small physicochemical difference between methionine and isoleucine. This variant is not present in population databases (ExAC no frequency). This variant has not been reported in the literature in individuals affected with EFL1-related conditions. Algorithms developed to predict the effect of missense changes on protein structure and function (SIFT, PolyPhen-2, Align-GVGD) all suggest that this variant is likely to be tolerated. In summary, the available evidence is currently insufficient to determine the role of this variant in disease. Therefore, it has been classified as a Variant of Uncertain Significance.

NM_024580.6(EFL1):c.27G>T (p.Met9Ile)

Gene: EFL1 (elongation factor like GTPase 1; minus strand). Cytogenetic location: 15q25.2.
Variant type: single nucleotide variant.
Coding change: c.27G>T on transcript NM_024580.6 (MANE Select); coding-DNA position 27, G replaced by T.
Protein change: p.Met9Ile; replaces methionine 9 with isoleucine.
Molecular consequence: missense variant. On other transcripts: 5 prime UTR variant (1), non-coding transcript variant (1).
Genome position (GRCh38, 1-based): chr15:82,261,752, C>A on the plus strand (G>T on the coding strand, the complement: EFL1 is on the minus strand). VCF-style: chr15-82261752-C-A. GRCh37 (hg19) VCF-style: chr15-82554093-C-A.
Other names: c.27G>T, p.Met9Ile (NM_001040610.3, NM_001322845.2); c.-678G>T (NM_001322844.2); short protein forms M9I.
Identifiers: ClinVar variation 1379101 (VCV001379101.6), dbSNP rs2141349215, ClinGen allele CA393286597.